The following is an entry in ClinVar:

ClinVar aggregate classification (germline): Uncertain significance (1 of 4 stars; one submission).

Conditions:
Cardiovascular phenotype. Identifiers: MedGen CN230736.

Allele frequency attached by ClinVar (database versions not stated): TOPMed below 0.00001; gnomAD 0.00001.
gnomAD v4.1: 1 of 1,614,016 alleles (0.000062%); highest among the groups gnomAD compares: East Asian, 0.0022%; no homozygotes.

Submission:

Ambry Genetics
Classification: Uncertain significance for Cardiovascular phenotype. Last evaluated: 2023-03-24. Review status: criteria provided, single submitter. Criteria: Ambry Variant Classification Scheme 2023. Collection method: clinical testing. Allele origin: germline.
Comment: The p.A1648V variant (also known as c.4943C>T), located in coding exon 27 of the SCN10A gene, results from a C to T substitution at nucleotide position 4943. The alanine at codon 1648 is replaced by valine, an amino acid with similar properties. This amino acid position is conserved. In addition, the in silico prediction for this alteration is inconclusive. Since supporting evidence is limited at this time, the clinical significance of this alteration remains unclear.

NM_006514.4(SCN10A):c.4943C>T (p.Ala1648Val)

Gene: SCN10A (sodium voltage-gated channel alpha subunit 10; minus strand). Cytogenetic location: 3p22.2.
Variant type: single nucleotide variant.
Coding change: c.4943C>T on transcript NM_006514.4 (MANE Select); coding-DNA position 4943, C replaced by T.
Protein change: p.Ala1648Val; replaces alanine 1648 with valine.
Molecular consequence: missense variant.
Genome position (GRCh38, 1-based): chr3:38,698,277, G>A on the plus strand (C>T on the coding strand, the complement: SCN10A is on the minus strand). VCF-style: chr3-38698277-G-A. GRCh37 (hg19) VCF-style: chr3-38739768-G-A.
Other names: c.4940C>T, p.Ala1647Val (NM_001293306.2); c.4649C>T, p.Ala1550Val (NM_001293307.2); short protein forms A1647V, A1648V, A1550V.
Identifiers: ClinVar variation 2563700 (VCV002563700.2), dbSNP rs1421981232, ClinGen allele CA352155053.